The following is an entry in ClinVar:

ClinVar aggregate classification (germline): Uncertain significance. Review status: criteria provided, multiple submitters, no conflicts (2 of 4 stars). 2 submissions from 2 submitters: Uncertain significance (2). Last evaluated 2024-10-22.

Conditions:
Peroxisome biogenesis disorder 3A (Zellweger). Also called: PEROXISOMAL BIOGENESIS DISORDER 3A (ZELLWEGER); Peroxisome biogenesis disorder 3A. Identifiers: Orphanet 912, MedGen C3553929, MONDO:0013927, OMIM 614859.

Allele frequency attached by ClinVar (database versions not stated): gnomAD exomes 0.00001.

Submissions (2):

Blueprint Genetics
Classification: Uncertain significance. Last evaluated: 2024-10-22. Review status: criteria provided, single submitter. Criteria: ACMG Guidelines, 2015. Collection method: clinical testing. Allele origin: germline.

Labcorp Genetics (formerly Invitae), Labcorp
Classification: Uncertain significance for Peroxisome biogenesis disorder 3A (Zellweger). Last evaluated: 2022-01-26. Review status: criteria provided, single submitter. Criteria: Invitae Variant Classification Sherloc (09022015). Collection method: clinical testing. Allele origin: germline.
Comment: This sequence change replaces proline, which is neutral and non-polar, with threonine, which is neutral and polar, at codon 35 of the PEX12 protein (p.Pro35Thr). This variant is present in population databases (rs373559171, gnomAD 0.0009%). This variant has not been reported in the literature in individuals affected with PEX12-related conditions. Algorithms developed to predict the effect of missense changes on protein structure and function are either unavailable or do not agree on the potential impact of this missense change (SIFT: "Deleterious"; PolyPhen-2: "Probably Damaging"; Align-GVGD: "Class C0"). In summary, the available evidence is currently insufficient to determine the role of this variant in disease. Therefore, it has been classified as a Variant of Uncertain Significance.

NM_000286.3(PEX12):c.103C>A (p.Pro35Thr)

Gene: PEX12 (peroxisomal biogenesis factor 12; minus strand). Cytogenetic location: 17q12.
Variant type: single nucleotide variant.
Coding change: c.103C>A on transcript NM_000286.3 (MANE Select); coding-DNA position 103, C replaced by A.
Protein change: p.Pro35Thr; replaces proline 35 with threonine.
Molecular consequence: missense variant.
Genome position (GRCh38, 1-based): chr17:35,577,919, G>T on the plus strand (C>A on the coding strand, the complement: PEX12 is on the minus strand). VCF-style: chr17-35577919-G-T. GRCh37 (hg19) VCF-style: chr17-33904938-G-T.
Other names: short protein forms P35T.
Identifiers: ClinVar variation 2153446 (VCV002153446.2), dbSNP rs373559171, ClinGen allele CA8504984.